The following is an entry in ClinVar:

ClinVar aggregate classification (germline): Uncertain significance (1 of 4 stars; one submission).

Submission:

Labcorp Genetics (formerly Invitae), Labcorp
Classification: Uncertain significance. Last evaluated: 2025-05-08. Review status: criteria provided, single submitter. Criteria: Invitae Variant Classification Sherloc (09022015). Collection method: clinical testing. Allele origin: germline.
Comment: This sequence change replaces alanine, which is neutral and non-polar, with threonine, which is neutral and polar, at codon 188 of the LEMD3 protein (p.Ala188Thr). This variant is present in population databases (no rsID available, gnomAD 0.007%). This variant has not been reported in the literature in individuals affected with LEMD3-related conditions. Invitae Evidence Modeling of protein sequence and biophysical properties (such as structural, functional, and spatial information, amino acid conservation, physicochemical variation, residue mobility, and thermodynamic stability) indicates that this missense variant is not expected to disrupt LEMD3 protein function with a negative predictive value of 80%. In summary, the available evidence is currently insufficient to determine the role of this variant in disease. Therefore, it has been classified as a Variant of Uncertain Significance.

NM_014319.5(LEMD3):c.562G>A (p.Ala188Thr)

Gene: LEMD3 (LEM domain containing 3; plus strand). Cytogenetic location: 12q14.3.
Variant type: single nucleotide variant.
Coding change: c.562G>A on transcript NM_014319.5 (MANE Select); coding-DNA position 562, G replaced by A.
Protein change: p.Ala188Thr; replaces alanine 188 with threonine.
Molecular consequence: missense variant.
Genome position (GRCh38, 1-based): chr12:65,170,158, G>A. VCF-style: chr12-65170158-G-A. GRCh37 (hg19) VCF-style: chr12-65563938-G-A.
Other names: c.562G>A, p.Ala188Thr (NM_001167614.2); short protein forms A188T.
Identifiers: ClinVar variation 4803594 (VCV004803594.1).